The following is an entry in ClinVar:

ClinVar aggregate classification (germline): Uncertain significance. Review status: criteria provided, multiple submitters, no conflicts (2 of 4 stars). 2 submissions from 2 submitters: Uncertain significance (2). Last evaluated 2025-01-01.

Submissions (2):

CeGaT Center for Human Genetics Tuebingen
Classification: Uncertain significance. Last evaluated: 2025-01-01. Review status: criteria provided, single submitter. Criteria: CeGaT Center For Human Genetics Tuebingen Variant Classification Criteria Version 2. Collection method: clinical testing. Allele origin: germline. Affected: yes. Observed: 1 variant allele.
Comment: ACO2: PM2

Blueprint Genetics
Classification: Uncertain significance. Last evaluated: 2022-03-08. Review status: criteria provided, single submitter. Criteria: ACMG Guidelines, 2015. Collection method: clinical testing. Allele origin: germline.

NM_001098.3(ACO2):c.1976T>C (p.Val659Ala)

Genes: ACO2 (aconitase 2; plus strand), POLR3H (RNA polymerase III subunit H; minus strand). Cytogenetic location: 22q13.2.
Variant type: single nucleotide variant.
Coding change: c.1976T>C on transcript NM_001098.3 (MANE Select); coding-DNA position 1976, T replaced by C.
Protein change: p.Val659Ala; replaces valine 659 with alanine.
Molecular consequence: missense variant. On other transcripts: 3 prime UTR variant (5).
Genome position (GRCh38, 1-based): chr22:41,527,310, T>C. VCF-style: chr22-41527310-T-C. GRCh37 (hg19) VCF-style: chr22-41923314-T-C.
Other names: c.*1973A>G (NM_001018050.4, NM_001018052.4, NM_001282884.2 and 2 more transcripts); short protein forms V659A.
Identifiers: ClinVar variation 3771788 (VCV003771788.14).
Genomic context (GRCh38, chr22:41,527,310, plus strand): 5'-TCCTCTGCCTTATAACCTTACCCCCGCTTGCCTGACAGAAACATGGCATCAGGTGGGTGG[T>C]GATCGGAGACGAGAACTACGGCGAGGGCTCGAGCCGGGAGCATGCAGCTCTGGAGCCTCG-3'
Protein context (NP_001089.1, residues 649-669): YYKKHGIRWV[Val659Ala]IGDENYGEGS